The following is an entry in ClinVar:

NM_000264.5(PTCH1):c.1823T>G (p.Leu608Arg)

Genes: PTCH1 (patched 1; minus strand), LOC100507346 (uncharacterized LOC100507346; plus strand). Cytogenetic location: 9q22.32.
Variant type: single nucleotide variant.
Coding change: c.1823T>G on transcript NM_000264.5 (MANE Select); coding-DNA position 1823, T replaced by G.
Protein change: p.Leu608Arg; replaces leucine 608 with arginine.
Molecular consequence: missense variant. On other transcripts: non-coding transcript variant (2).
Genome position (GRCh38, 1-based): chr9:95,469,837, A>C on the plus strand (T>G on the coding strand, the complement: PTCH1 is on the minus strand). VCF-style: chr9-95469837-A-C. GRCh37 (hg19) VCF-style: chr9-98232119-A-C.
Other names: c.1625T>G, p.Leu542Arg (NM_001083602.3); c.1820T>G, p.Leu607Arg (NM_001083603.3); c.1370T>G, p.Leu457Arg (NM_001083604.3, NM_001083605.3, NM_001083606.3 and 1 more transcripts); c.1667T>G, p.Leu556Arg (NM_001354918.2); short protein forms L556R, L607R, L608R, L542R, L457R.
Identifiers: ClinVar variation 3311206 (VCV003311206.1).

ClinVar aggregate classification (germline): Uncertain significance (1 of 4 stars; one submission).

Conditions:
Hereditary cancer-predisposing syndrome. Also called: Neoplastic Syndromes, Hereditary; Tumor predisposition; Hereditary neoplastic syndrome; Hereditary Cancer Syndrome. Identifiers: Orphanet 140162, MedGen C0027672, MeSH D009386, MONDO:0015356.

Submission:

Ambry Genetics
Classification: Uncertain significance for Hereditary cancer-predisposing syndrome. Last evaluated: 2024-06-21. Review status: criteria provided, single submitter. Criteria: Ambry Variant Classification Scheme 2023. Collection method: clinical testing. Allele origin: germline.
Comment: The p.L608R variant (also known as c.1823T>G), located in coding exon 13 of the PTCH1 gene, results from a T to G substitution at nucleotide position 1823. The leucine at codon 608 is replaced by arginine, an amino acid with dissimilar properties. This amino acid position is conserved. In addition, the in silico prediction for this alteration is inconclusive. Based on the available evidence, the clinical significance of this variant remains unclear.